The following is an entry in ClinVar:

NM_005076.5(CNTN2):c.2773del (p.Ser925fs)

Genes: CNTN2 (contactin 2; plus strand), LOC126805985 (MED14-independent group 3 enhancer GRCh37_chr1:205041546-205042745; plus strand). Cytogenetic location: 1q32.1.
Variant type: Deletion.
Coding change: c.2773del on transcript NM_005076.5 (MANE Select); coding-DNA position 2773, one base deleted (A; older notation c.2773delA).
Protein change: p.Ser925fs; shifts the reading frame from serine 925.
Molecular consequence: frameshift variant. On other transcripts: non-coding transcript variant (1).
Genome position (GRCh38, 1-based): chr1:205,072,524, A deleted; the last of 2 consecutive A bases (chr1:205,072,523-205,072,524); deleting either gives the same sequence. VCF-style (leftmost placement, unchanged base first): chr1-205072522-CA-C. GRCh37 (hg19) VCF-style: chr1-205041650-CA-C.
Other names: c.2773del, p.Ser925fs (NM_001346083.2); short protein forms S925fs.
Identifiers: ClinVar variation 1367262 (VCV001367262.6), dbSNP rs2151200415, ClinGen allele CA2573131494.

ClinVar aggregate classification (germline): Pathogenic (1 of 4 stars; one submission).

Conditions:
Epilepsy, familial adult myoclonic, 5 (EPEO5). Also called: CORTICAL MYOCLONIC TREMOR WITH EPILEPSY, FAMILIAL, 5. Identifiers: Orphanet 86814, MedGen C3809374, MONDO:0014167, OMIM 615400.

Submission:

Labcorp Genetics (formerly Invitae), Labcorp
Classification: Pathogenic for Epilepsy, familial adult myoclonic, 5. Last evaluated: 2025-04-08. Review status: criteria provided, single submitter. Criteria: Invitae Variant Classification Sherloc (09022015). Collection method: clinical testing. Allele origin: germline.
Comment: This sequence change creates a premature translational stop signal (p.Ser925Alafs*33) in the CNTN2 gene. It is expected to result in an absent or disrupted protein product. Loss-of-function variants in CNTN2 are known to be pathogenic (PMID: 11178983, 23518707). This variant is not present in population databases (gnomAD no frequency). This variant has not been reported in the literature in individuals affected with CNTN2-related conditions. ClinVar contains an entry for this variant (Variation ID: 1367262). For these reasons, this variant has been classified as Pathogenic.

Literature cited by the submitters: PubMed 11178983; PubMed 23518707.